The following is an entry in ClinVar:

ClinVar aggregate classification (germline): Uncertain significance (1 of 4 stars; one submission).

Submission:

GeneDx
Classification: Uncertain significance. Last evaluated: 2022-06-01. Review status: criteria provided, single submitter. Criteria: GeneDx Variant Classification Process June 2021. Collection method: clinical testing. Allele origin: germline. Affected: yes.
Comment: Not observed at significant frequency in large population cohorts (gnomAD); In silico analysis supports that this missense variant has a deleterious effect on protein structure/function; Has not been previously published as pathogenic or benign to our knowledge

NM_006922.4(SCN3A):c.3239T>C (p.Val1080Ala)

Gene: SCN3A (sodium voltage-gated channel alpha subunit 3; minus strand). Cytogenetic location: 2q24.3.
Variant type: single nucleotide variant.
Coding change: c.3239T>C on transcript NM_006922.4 (MANE Select); coding-DNA position 3239, T replaced by C.
Protein change: p.Val1080Ala; replaces valine 1080 with alanine.
Molecular consequence: missense variant.
Genome position (GRCh38, 1-based): chr2:165,127,785, A>G on the plus strand (T>C on the coding strand, the complement: SCN3A is on the minus strand). VCF-style: chr2-165127785-A-G. GRCh37 (hg19) VCF-style: chr2-165984295-A-G.
Other names: c.3092T>C, p.Val1031Ala (NM_001081676.2, NM_001081677.2); short protein forms V1031A, V1080A.
Identifiers: ClinVar variation 1801876 (VCV001801876.1), dbSNP rs2468234173, ClinGen allele CA349040802.